The following is an entry in ClinVar:

NM_001001331.4(ATP2B2):c.941-6C>G

Gene: ATP2B2 (ATPase plasma membrane Ca2+ transporting 2; minus strand). Cytogenetic location: 3p25.3.
Variant type: single nucleotide variant.
Coding change: c.941-6C>G on transcript NM_001001331.4 (MANE Select); 6 bases into the intron before coding-DNA position 941, C replaced by G.
Molecular consequence: intron variant.
Genome position (GRCh38, 1-based): chr3:10,385,333, G>C on the plus strand (C>G on the coding strand, the complement: ATP2B2 is on the minus strand). VCF-style: chr3-10385333-G-C. GRCh37 (hg19) VCF-style: chr3-10427017-G-C.
Other names: NC_000003.11:g.10427017G>C; p.?; c.907+2944C>G (NM_001353564.1, NM_001683.5, NM_001330611.3 and 1 more transcripts).
Identifiers: ClinVar variation 804485 (VCV000804485.6), dbSNP rs73014694, ClinGen allele CA2253832.

ClinVar aggregate classification (germline): Benign. Review status: criteria provided, multiple submitters, no conflicts (2 of 4 stars). 4 submissions from 4 submitters: Benign (3). 1 of the submissions does not count toward it. Last evaluated 2023-04-14.

Conditions:
ATP2B2-related disorder. Also called: ATP2B2-related condition.

Allele frequency attached by ClinVar (database versions not stated): 1000 Genomes Project 30x 0.00578; ESP Exome Variant Server 0.01207; 1000 Genomes Project 0.00619; gnomAD 0.01285 and 0.01260; TOPMed 0.01232; gnomAD exomes 0.01749.
gnomAD v4.1: 27,351 of 1,612,608 alleles (1.7%); highest among the groups gnomAD compares: Non-Finnish European, 2.1%; 289 homozygotes.

Submissions (6):

Mayo Clinic Laboratories, Mayo Clinic
Classification: Benign. Last evaluated: 2023-04-14. Review status: criteria provided, single submitter. Criteria: ACMG Guidelines, 2015. Collection method: clinical testing. Allele origin: germline. Observed: 4 variant alleles.
Comment: BA1, BS2

Athena Diagnostics
Classification: Benign. Last evaluated: 2018-08-31. Review status: criteria provided, single submitter. Criteria: Athena Diagnostics Criteria. Collection method: clinical testing. Allele origin: germline.

Breakthrough Genomics
Classification: Benign. Review status: criteria provided, single submitter. Criteria: ACMG Guidelines, 2015. Collection method: not provided. Allele origin: germline. Inheritance: Autosomal recessive inheritance. Affected: yes.

PreventionGenetics, part of Exact Sciences
Classification: Benign for ATP2B2-related condition. Last evaluated: 2019-06-07. Review status: no assertion criteria provided. Collection method: clinical testing. Allele origin: germline. Not counted in ClinVar's aggregate classification.
Comment: This variant is classified as benign based on ACMG/AMP sequence variant interpretation guidelines (Richards et al. 2015 PMID: 25741868, with internal and published modifications).

Dr. Peter K. Rogan Lab, Western University
No classification provided (evidence only). Condition: Clear cell carcinoma of kidney. Review status: no classification provided. Collection method: in vitro. Allele origin: not applicable. Functional consequence: retained intron. Not counted in ClinVar's aggregate classification.

Dr. Peter K. Rogan Lab, Western University
No classification provided (evidence only). Condition: Lung cancer. Review status: no classification provided. Collection method: in vitro. Allele origin: not applicable. Functional consequence: retained intron. Not counted in ClinVar's aggregate classification.